The following is an entry in ClinVar:

NM_000455.5(STK11):c.345T>A (p.Asp115Glu)

Gene: STK11 (serine/threonine kinase 11; plus strand). Cytogenetic location: 19p13.3.
Variant type: single nucleotide variant.
Coding change: c.345T>A on transcript NM_000455.5 (MANE Select); coding-DNA position 345, T replaced by A.
Protein change: p.Asp115Glu; replaces aspartic acid 115 with glutamic acid.
Molecular consequence: missense variant. On other transcripts: non-coding transcript variant (1).
Genome position (GRCh38, 1-based): chr19:1,218,471, T>A. VCF-style: chr19-1218471-T-A. GRCh37 (hg19) VCF-style: chr19-1218470-T-A.
Other names: c.345T>A, p.Asp115Glu (NM_001407255.1); short protein forms D115E.
Identifiers: ClinVar variation 3963248 (VCV003963248.1).

ClinVar aggregate classification (germline): Uncertain significance (1 of 4 stars; one submission).

Conditions:
Hereditary cancer-predisposing syndrome. Also called: Tumor predisposition; Hereditary neoplastic syndrome; Hereditary Cancer Syndrome; Neoplastic Syndromes, Hereditary. Identifiers: Orphanet 140162, MedGen C0027672, MeSH D009386, MONDO:0015356.

Submission:

Ambry Genetics
Classification: Uncertain significance for Hereditary cancer-predisposing syndrome. Last evaluated: 2025-06-02. Review status: criteria provided, single submitter. Criteria: Ambry Variant Classification Scheme 2023. Collection method: clinical testing. Allele origin: germline.
Comment: The p.D115E variant (also known as c.345T>A), located in coding exon 2 of the STK11 gene, results from a T to A substitution at nucleotide position 345. The aspartic acid at codon 115 is replaced by glutamic acid, an amino acid with highly similar properties. This amino acid position is conserved. In addition, this alteration is predicted to be tolerated by in silico analysis. Based on the available evidence, the clinical significance of this variant remains unclear.